The following is an entry in ClinVar:

NM_032242.4(PLXNA1):c.3277-7T>C

Gene: PLXNA1 (plexin A1; plus strand). Cytogenetic location: 3q21.3.
Variant type: single nucleotide variant.
Coding change: c.3277-7T>C on transcript NM_032242.4 (MANE Select); 7 bases into the intron before coding-DNA position 3277, T replaced by C.
Molecular consequence: intron variant.
Genome position (GRCh38, 1-based): chr3:127,017,418, T>C. VCF-style: chr3-127017418-T-C. GRCh37 (hg19) VCF-style: chr3-126736261-T-C.
Identifiers: ClinVar variation 4977144 (VCV004977144.1).
Genomic context (GRCh38, chr3:127,017,418, plus strand): 5'-TCTGTCACTGGGAGCTGCCGGGCCACTCGCGGAGGTCCCGCCCAGCATCCCCACCCTGTG[T>C]CTCCAGGGCTGCCTGGTGTACAATGACACCACCATGGTATGCCGCGCCCCGTCTGTGGCC-3'

ClinVar aggregate classification (germline): Likely benign (1 of 4 stars; one submission).

Conditions:
PLXNA1-related disorder. Also called: PLXNA1-related condition.

gnomAD v4.1: 3 of 1,610,024 alleles (0.00019%); highest among the groups gnomAD compares: Middle Eastern, 0.035%; no homozygotes.

Submission:

PreventionGenetics, part of Exact Sciences
Classification: Likely benign for PLXNA1-related condition. Last evaluated: 2026-01-19. Review status: criteria provided, single submitter. Criteria: ACMG Guidelines, 2015. Collection method: clinical testing. Allele origin: germline.
Comment: This variant is classified as likely benign based on ACMG/AMP sequence variant interpretation guidelines (Richards et al. 2015 PMID: 25741868, with internal and published modifications).